The following is an entry in ClinVar:

ClinVar aggregate classification (germline): Uncertain significance (1 of 4 stars; one submission).

Submission:

CeGaT Center for Human Genetics Tuebingen
Classification: Uncertain significance. Last evaluated: 2024-12-01. Review status: criteria provided, single submitter. Criteria: CeGaT Center For Human Genetics Tuebingen Variant Classification Criteria Version 2. Collection method: clinical testing. Allele origin: germline. Affected: yes. Observed: 1 variant allele.
Comment: MED12L: PM2

NM_001393769.1(MED12L):c.6425T>C (p.Leu2142Ser)

Gene: MED12L (mediator complex subunit 12L; plus strand). Cytogenetic location: 3q25.1.
Variant type: single nucleotide variant.
Coding change: c.6425T>C on transcript NM_001393769.1 (MANE Select); coding-DNA position 6425, T replaced by C.
Protein change: p.Leu2142Ser; replaces leucine 2142 with serine.
Molecular consequence: missense variant.
Genome position (GRCh38, 1-based): chr3:151,430,315, T>C. VCF-style: chr3-151430315-T-C. GRCh37 (hg19) VCF-style: chr3-151148103-T-C.
Other names: c.6320T>C, p.Leu2107Ser (NM_053002.6); short protein forms L2107S, L2142S.
Identifiers: ClinVar variation 3771811 (VCV003771811.13).